The following is an entry in ClinVar:

ClinVar aggregate classification (germline): Uncertain significance (1 of 4 stars; one submission).

Conditions:
Norman-Roberts syndrome (LIS2). Also called: Lissencephaly 2 (Norman-Roberts type). Identifiers: Orphanet 89844, MedGen C0796089, MONDO:0009760, OMIM 257320.
Familial temporal lobe epilepsy 7. Identifiers: Orphanet 101046, MedGen C4225327, MONDO:0014639, OMIM 616436.

Allele frequency attached by ClinVar (database versions not stated): TOPMed 0.00001.
gnomAD v4.1: 63 of 1,612,906 alleles (0.0039%); highest among the groups gnomAD compares: Non-Finnish European, 0.0052%; no homozygotes.

Submission:

Labcorp Genetics (formerly Invitae), Labcorp
Classification: Uncertain significance for Familial temporal lobe epilepsy 7; Norman-Roberts syndrome. Last evaluated: 2025-09-27. Review status: criteria provided, single submitter. Criteria: Invitae Variant Classification Sherloc (09022015). Collection method: clinical testing. Allele origin: germline.
Comment: This sequence change replaces histidine, which is basic and polar, with leucine, which is neutral and non-polar, at codon 75 of the RELN protein (p.His75Leu). This variant is present in population databases (no rsID available, gnomAD 0.002%). This variant has not been reported in the literature in individuals affected with RELN-related conditions. ClinVar contains an entry for this variant (Variation ID: 1391115). An algorithm developed to predict the effect of missense changes on protein structure and function (PolyPhen-2) suggests that this variant is likely to be tolerated. In summary, the available evidence is currently insufficient to determine the role of this variant in disease. Therefore, it has been classified as a Variant of Uncertain Significance.

NM_005045.4(RELN):c.224A>T (p.His75Leu)

Gene: RELN (reelin; minus strand). Cytogenetic location: 7q22.1.
Variant type: single nucleotide variant.
Coding change: c.224A>T on transcript NM_005045.4 (MANE Select); coding-DNA position 224, A replaced by T.
Protein change: p.His75Leu; replaces histidine 75 with leucine.
Molecular consequence: missense variant.
Genome position (GRCh38, 1-based): chr7:103,989,133, T>A on the plus strand (A>T on the coding strand, the complement: RELN is on the minus strand). VCF-style: chr7-103989133-T-A. GRCh37 (hg19) VCF-style: chr7-103629580-T-A.
Other names: c.224A>T, p.His75Leu (NM_173054.3); short protein forms H75L.
Identifiers: ClinVar variation 1391115 (VCV001391115.6), dbSNP rs770570216, ClinGen allele CA368931215.
Genomic context (GRCh38, chr7:103,989,133, plus strand): 5'-AAGGTGCGCTGGCGGGCGCACCCGGCGGCGGCGAGCGCGGAGGTGCTGCGGTACCTACCA[T>A]GGTATTCTTGTCCCGGAACGTAGTAGGTGGGGTTGCCCGCAATATGCAGGGAAATGAGCA-3'
Protein context (NP_005036.2, residues 65-85): PTYYVPGQEY[His75Leu]VTISTSTFFD